The following is an entry in ClinVar:

ClinVar aggregate classification (germline): Pathogenic (1 of 4 stars; one submission).

Conditions:
Hereditary breast ovarian cancer syndrome. Also called: Hereditary breast and ovarian cancer; Breast and ovarian cancer; BRCA1- and BRCA2-Associated Hereditary Breast and Ovarian Cancer; Hereditary breast and/or ovarian cancer syndrome; Hereditary breast and ovarian cancer syndrome; Hereditary breast and ovarian cancer syndrome (HBOC). Identifiers: Orphanet 145, MedGen C0677776, MeSH D061325, MONDO:0003582. Disease mechanism: loss of function.

Submission:

Labcorp Genetics (formerly Invitae), Labcorp
Classification: Pathogenic for Hereditary breast ovarian cancer syndrome. Last evaluated: 2020-04-28. Review status: criteria provided, single submitter. Criteria: Invitae Variant Classification Sherloc (09022015). Collection method: clinical testing. Allele origin: germline.
Comment: This sequence change creates a premature translational stop signal (p.Lys2497Argfs*27) in the BRCA2 gene. It is expected to result in an absent or disrupted protein product. This variant is not present in population databases (ExAC no frequency). This variant has not been reported in the literature in individuals with BRCA2-related conditions. Loss-of-function variants in BRCA2 are known to be pathogenic (PMID: 20104584). For these reasons, this variant has been classified as Pathogenic.

Literature cited by the submitters: PubMed 20104584.

NM_000059.4(BRCA2):c.7488del (p.Lys2497fs)

Gene: BRCA2 (BRCA2 DNA repair associated; plus strand). Cytogenetic location: 13q13.1.
Variant type: Deletion.
Coding change: c.7488del on transcript NM_000059.4 (MANE Select); coding-DNA position 7488, one base deleted (G; older notation c.7488delG).
Protein change: p.Lys2497fs; shifts the reading frame from lysine 2497.
Molecular consequence: frameshift variant.
Genome position (GRCh38, 1-based): chr13:32,356,480, G deleted. VCF-style (leftmost placement, unchanged base first): chr13-32356479-AG-A. GRCh37 (hg19) VCF-style: chr13-32930616-AG-A.
Other names: short protein forms K2497fs.
Identifiers: ClinVar variation 1075128 (VCV001075128.9), dbSNP rs2137562191, ClinGen allele CA2499222290.